The following is an entry in ClinVar:

NC_000008.10:g.(?_100160049)_(100160258_?)del

Gene: VPS13B (vacuolar protein sorting 13 homolog B; plus strand). Cytogenetic location: 8q22.2.
Variant type: Deletion.
Identifiers: ClinVar variation 2426368 (VCV002426368.4).

ClinVar aggregate classification (germline): Pathogenic (1 of 4 stars; one submission).

Conditions:
Cohen syndrome (COH1). Also called: Cutis verticis gyrata, retinitis pigmentosa, and sensorineural deafness; PEPPER SYNDROME. Identifiers: Orphanet 193, MedGen C0265223, MONDO:0008999, OMIM 216550.

Submission:

Labcorp Genetics (formerly Invitae), Labcorp
Classification: Pathogenic for Cohen syndrome. Last evaluated: 2023-01-19. Review status: criteria provided, single submitter. Criteria: Invitae Variant Classification Sherloc (09022015). Collection method: clinical testing. Allele origin: germline.
Comment: For these reasons, this variant has been classified as Pathogenic. This variant has not been reported in the literature in individuals affected with VPS13B-related conditions. This variant is a gross deletion of the genomic region encompassing exon(s) 14 of the VPS13B gene. This deletion is out-of-frame, and is expected to create a premature termination codon and result in an absent or disrupted protein product. Loss-of-function variants in VPS13B are known to be pathogenic (PMID: 15141358, 16648375, 20461111).

Literature cited by the submitters: PubMed 15141358; PubMed 16648375; PubMed 20461111.